The following is an entry in ClinVar:

ClinVar aggregate classification (germline): Uncertain significance. Review status: criteria provided, multiple submitters, no conflicts (2 of 4 stars). 2 submissions from 2 submitters: Uncertain significance (2). Last evaluated 2025-07-01.

Conditions:
Episodic ataxia type 2 (EA2). Also called: ATAXIA, EPISODIC, WITH NYSTAGMUS; ATAXIA, FAMILIAL PAROXYSMAL; CEREBELLAR ATAXIA, PAROXYSMAL, ACETAZOLAMIDE-RESPONSIVE; CEREBELLOPATHY, HEREDITARY PAROXYSMAL; EPISODIC ATAXIA, NYSTAGMUS-ASSOCIATED; ACETAZOLAMIDE-RESPONSIVE HEREDITARY PAROXYSMAL CEREBELLAR ATAXIA. Identifiers: Orphanet 97, MedGen C1720416, MONDO:0007163, OMIM 108500.
Developmental and epileptic encephalopathy, 42 (DEE42A). Also called: DEVELOPMENTAL AND EPILEPTIC ENCEPHALOPATHY 42A; EPILEPTIC ENCEPHALOPATHY, EARLY INFANTILE, 42A; Epileptic encephalopathy, early infantile, 42. Identifiers: MedGen C4310716, MONDO:0014917, OMIM 617106.

Allele frequency attached by ClinVar (database versions not stated): TOPMed below 0.00001; gnomAD 0.00001.

Submissions (2):

GeneDx
Classification: Uncertain significance. Last evaluated: 2025-07-01. Review status: criteria provided, single submitter. Criteria: GeneDx Variant Classification Process June 2021. Collection method: clinical testing. Allele origin: germline. Affected: yes.
Comment: Not observed at significant frequency in large population cohorts (gnomAD); In silico analysis supports that this missense variant has a deleterious effect on protein structure/function; Has not been previously published as pathogenic or benign to our knowledge

Labcorp Genetics (formerly Invitae), Labcorp
Classification: Uncertain significance for Developmental and epileptic encephalopathy, 42; Episodic ataxia type 2. Last evaluated: 2022-02-08. Review status: criteria provided, single submitter. Criteria: Invitae Variant Classification Sherloc (09022015). Collection method: clinical testing. Allele origin: germline.
Comment: This sequence change replaces methionine, which is neutral and non-polar, with lysine, which is basic and polar, at codon 1218 of the CACNA1A protein (p.Met1218Lys). This variant is not present in population databases (gnomAD no frequency). In summary, the available evidence is currently insufficient to determine the role of this variant in disease. Therefore, it has been classified as a Variant of Uncertain Significance. Advanced modeling of protein sequence and biophysical properties (such as structural, functional, and spatial information, amino acid conservation, physicochemical variation, residue mobility, and thermodynamic stability) performed at Invitae indicates that this missense variant is not expected to disrupt CACNA1A protein function. This variant has not been reported in the literature in individuals affected with CACNA1A-related conditions.

NM_001127222.2(CACNA1A):c.3650T>A (p.Met1217Lys)

Gene: CACNA1A (calcium voltage-gated channel subunit alpha1 A; minus strand). Cytogenetic location: 19p13.13.
Variant type: single nucleotide variant.
Coding change: c.3650T>A on transcript NM_001127222.2 (MANE Select); coding-DNA position 3650, T replaced by A.
Protein change: p.Met1217Lys; replaces methionine 1217 with lysine.
Molecular consequence: missense variant.
Genome position (GRCh38, 1-based): chr19:13,285,110, A>T on the plus strand (T>A on the coding strand, the complement: CACNA1A is on the minus strand). VCF-style: chr19-13285110-A-T. GRCh37 (hg19) VCF-style: chr19-13395924-A-T.
Other names: c.3653T>A (NM_001127221.1); c.3662T>A, p.Met1221Lys (NM_000068.4, NM_023035.3); c.3653T>A, p.Met1218Lys (NM_001127221.2, NM_001174080.2); short protein forms M1217K, M1221K, M1218K.
Identifiers: ClinVar variation 1370602 (VCV001370602.7), dbSNP rs761983146, ClinGen allele CA9240244.